The following is an entry in ClinVar:

NM_005635.4(SSX1):c.505C>T (p.Arg169Cys)

Gene: SSX1 (SSX family member 1; plus strand). Cytogenetic location: Xp11.23.
Variant type: single nucleotide variant.
Coding change: c.505C>T on transcript NM_005635.4 (MANE Select); coding-DNA position 505, C replaced by T.
Protein change: p.Arg169Cys; replaces arginine 169 with cysteine.
Molecular consequence: missense variant.
Genome position (GRCh38, 1-based): chrX:48,266,325, C>T. VCF-style: chrX-48266325-C-T. GRCh37 (hg19) VCF-style: chrX-48125760-C-T.
Other names: c.505C>T, p.Arg169Cys (NM_001278691.2); short protein forms R169C.
Identifiers: ClinVar variation 3040715 (VCV003040715.2), dbSNP rs148967170, ClinGen allele CA10401478.
Genomic context (GRCh38, chrX:48,266,325, plus strand): 5'-TTCCAACTCTTCTCCATCATAGGACCCAAAAGGGGGAAACATGCCTGGACCCACAGACTG[C>T]GTGAGAGAAAGCAGCTGGTGATTTATGAAGAGATCAGTGACCCTGAGGAAGATGACGAGT-3'
Protein context (NP_005626.1, residues 159-179): RGKHAWTHRL[Arg169Cys]ERKQLVIYEE

ClinVar aggregate classification (germline): Likely benign (0 of 4 stars; one submission).

Conditions:
SSX1-related disorder. Also called: SSX1-related condition.

gnomAD v4.1: 173 of 1,208,073 alleles (0.014%); highest among the groups gnomAD compares: Admixed American, 0.11%; no homozygotes.

Submission:

PreventionGenetics, part of Exact Sciences
Classification: Likely benign for SSX1-related condition. Last evaluated: 2019-09-17. Review status: no assertion criteria provided. Collection method: clinical testing. Allele origin: germline.
Comment: This variant is classified as likely benign based on ACMG/AMP sequence variant interpretation guidelines (Richards et al. 2015 PMID: 25741868, with internal and published modifications).